The following is an entry in ClinVar:

ClinVar aggregate classification (germline): Uncertain significance. Review status: criteria provided, multiple submitters, no conflicts (2 of 4 stars). 3 submissions from 3 submitters: Uncertain significance (3). Last evaluated 2025-11-27.

Conditions:
Xeroderma pigmentosum (XP). Identifiers: Orphanet 910, MedGen C0043346, MONDO:0019600.
Xeroderma pigmentosum, group D (XPD). Also called: XERODERMA PIGMENTOSUM, COMPLEMENTATION GROUP D; XERODERMA PIGMENTOSUM IV; XP, GROUP D; XP, GROUP H; ERCC2-Related Xeroderma Pigmentosum. Identifiers: MedGen C0268138, MONDO:0010212, OMIM 278730.

Allele frequency attached by ClinVar (database versions not stated): ExAC 0.00002; gnomAD exomes 0.00003 and 0.00006; ESP Exome Variant Server 0.00008; TOPMed 0.00010.
gnomAD v4.1: 95 of 1,608,968 alleles (0.0059%); highest among the groups gnomAD compares: Non-Finnish European, 0.007%; no homozygotes.

Submissions (3):

Labcorp Genetics (formerly Invitae), Labcorp
Classification: Uncertain significance. Last evaluated: 2025-11-27. Review status: criteria provided, single submitter. Criteria: Invitae Variant Classification Sherloc (09022015). Collection method: clinical testing. Allele origin: germline.
Comment: This sequence change replaces valine, which is neutral and non-polar, with isoleucine, which is neutral and non-polar, at codon 623 of the ERCC2 protein (p.Val623Ile). This variant is present in population databases (rs372960848, gnomAD 0.006%). This variant has not been reported in the literature in individuals affected with ERCC2-related conditions. ClinVar contains an entry for this variant (Variation ID: 892656). Invitae Evidence Modeling of protein sequence and biophysical properties (such as structural, functional, and spatial information, amino acid conservation, physicochemical variation, residue mobility, and thermodynamic stability) indicates that this missense variant is not expected to disrupt ERCC2 protein function with a negative predictive value of 80%. In summary, the available evidence is currently insufficient to determine the role of this variant in disease. Therefore, it has been classified as a Variant of Uncertain Significance.

Sema4
Classification: Uncertain significance for Xeroderma pigmentosum. Last evaluated: 2022-03-18. Review status: criteria provided, single submitter. Criteria: Sema4 Curation Guidelines. Collection method: curation. Allele origin: germline.
Comment: The ERCC2 c.1867G>A (p.V623I) variant has not been reported in the literature to our knowledge. This variant was observed in 2/30610 chromosomes in the South Asian population, according to the Genome Aggregation Database (PMID: 32461654). The variant has been reported in ClinVar (Variation ID: 892656). Functional studies have not been performed, and in silico predictions of the variant's effect on protein function are inconclusive. The evidence is insufficient to meet ACMG/AMP criteria for classifying the variant as benign or pathogenic. Thus, the clinical significance of this variant is currently uncertain.

Illumina Laboratory Services, Illumina
Classification: Uncertain significance for Xeroderma pigmentosum, group D. Last evaluated: 2017-04-27. Review status: criteria provided, single submitter. Criteria: ICSL Variant Classification Criteria 13 December 2019. Collection method: clinical testing. Allele origin: germline.

NM_000400.4(ERCC2):c.1867G>A (p.Val623Ile)

Gene: ERCC2 (ERCC excision repair 2, TFIIH core complex helicase subunit; minus strand). Cytogenetic location: 19q13.32.
Variant type: single nucleotide variant.
Coding change: c.1867G>A on transcript NM_000400.4 (MANE Select); coding-DNA position 1867, G replaced by A.
Protein change: p.Val623Ile; replaces valine 623 with isoleucine.
Molecular consequence: missense variant.
Genome position (GRCh38, 1-based): chr19:45,352,781, C>T on the plus strand (G>A on the coding strand, the complement: ERCC2 is on the minus strand). VCF-style: chr19-45352781-C-T. GRCh37 (hg19) VCF-style: chr19-45856039-C-T.
Other names: short protein forms V623I.
Identifiers: ClinVar variation 892656 (VCV000892656.10), dbSNP rs372960848, ClinGen allele CA9513020.
Genomic context (GRCh38, chr19:45,352,781, plus strand): 5'-CTCCCTGGGAGACAGAGCTACTCACCTTGAGAATGCGGCTCTGTGTGTAGACGTAGGGGA[C>T]GCCAAACATGATGACGGCCCGCCCGTAGTGGTGCACTGGTGGGCAGAGGAGAGGGGGCGA-3'
Protein context (NP_000391.1, residues 613-633): HYGRAVIMFG[Val623Ile]PYVYTQSRIL